The following is an entry in ClinVar:

NM_001264.5(CDSN):c.1226G>T (p.Gly409Val)

Genes: CDSN (corneodesmosin; minus strand), PSORS1C1 (psoriasis susceptibility 1 candidate 1; plus strand). Cytogenetic location: 6p21.33.
Variant type: single nucleotide variant.
Coding change: c.1226G>T on transcript NM_001264.5 (MANE Select); coding-DNA position 1226, G replaced by T.
Protein change: p.Gly409Val; replaces glycine 409 with valine.
Molecular consequence: missense variant. On other transcripts: intron variant (1).
Genome position (GRCh38, 1-based): chr6:31,116,389, C>A on the plus strand (G>T on the coding strand, the complement: CDSN is on the minus strand). VCF-style: chr6-31116389-C-A. GRCh37 (hg19) VCF-style: chr6-31084166-C-A.
Other names: c.-229+1498C>A (NM_014068.3); short protein forms G409V.
Identifiers: ClinVar variation 1234343 (VCV001234343.13), dbSNP rs9501054, ClinGen allele CA3708352.

ClinVar aggregate classification (germline): Benign. Review status: criteria provided, multiple submitters, no conflicts (2 of 4 stars). 3 submissions from 3 submitters: Benign (2). 1 of the submissions does not count toward it. Last evaluated 2026-02-02.

Conditions:
CDSN-related disorder. Also called: CDSN-related condition.

Allele frequency attached by ClinVar (database versions not stated): gnomAD exomes 0.00544 and 0.01291; ExAC 0.01569; ESP Exome Variant Server 0.02468; gnomAD 0.02547 and 0.02614; TOPMed 0.02933; 1000 Genomes Project 0.04253; 1000 Genomes Project 30x 0.04294.
gnomAD v4.1: 12,112 of 1,602,814 alleles (0.76%); highest among the groups gnomAD compares: African/African-American, 7.6%; 396 homozygotes.

Submissions (3):

Labcorp Genetics (formerly Invitae), Labcorp
Classification: Benign. Last evaluated: 2026-02-02. Review status: criteria provided, single submitter. Criteria: Invitae Variant Classification Sherloc (09022015). Collection method: clinical testing. Allele origin: germline.

GeneDx
Classification: Benign. Last evaluated: 2018-11-10. Review status: criteria provided, single submitter. Criteria: GeneDx Variant Classification Process June 2021. Collection method: clinical testing. Allele origin: germline. Affected: yes.

PreventionGenetics, part of Exact Sciences
Classification: Benign for CDSN-related condition. Last evaluated: 2019-12-23. Review status: no assertion criteria provided. Collection method: clinical testing. Allele origin: germline. Not counted in ClinVar's aggregate classification.
Comment: This variant is classified as benign based on ACMG/AMP sequence variant interpretation guidelines (Richards et al. 2015 PMID: 25741868, with internal and published modifications).